The following is an entry in ClinVar:

NM_000545.8(HNF1A):c.421C>T (p.Gln141Ter)

Gene: HNF1A (HNF1 homeobox A; plus strand). Cytogenetic location: 12q24.31.
Variant type: single nucleotide variant.
Coding change: c.421C>T on transcript NM_000545.8 (MANE Select); coding-DNA position 421, C replaced by T.
Protein change: p.Gln141Ter; replaces glutamine 141 with a stop codon.
Molecular consequence: nonsense.
Genome position (GRCh38, 1-based): chr12:120,988,927, C>T. VCF-style: chr12-120988927-C-T. GRCh37 (hg19) VCF-style: chr12-121426730-C-T.
Other names: c.421C>T, p.Gln141Ter (NM_001306179.2, NM_001406915.1); short protein forms Q141*.
Identifiers: ClinVar variation 4750594 (VCV004750594.1).

ClinVar aggregate classification (germline): Pathogenic (1 of 4 stars; one submission).

Submission:

Labcorp Genetics (formerly Invitae), Labcorp
Classification: Pathogenic. Last evaluated: 2025-07-16. Review status: criteria provided, single submitter. Criteria: Invitae Variant Classification Sherloc (09022015). Collection method: clinical testing. Allele origin: germline.
Comment: This sequence change creates a premature translational stop signal (p.Gln141*) in the HNF1A gene. It is expected to result in an absent or disrupted protein product. Loss-of-function variants in HNF1A are known to be pathogenic (PMID: 15928245, 18003757). This variant is not present in population databases (gnomAD no frequency). This variant has not been reported in the literature in individuals affected with HNF1A-related conditions. For these reasons, this variant has been classified as Pathogenic.

Literature cited by the submitters: PubMed 15928245; PubMed 18003757.